The following is an entry in ClinVar:

NM_000124.4(ERCC6):c.1307_1316del (p.Ala436fs)

Genes: ERCC6 (ERCC excision repair 6, chromatin remodeling factor; minus strand), PGBD3 (piggyBac transposable element derived 3; minus strand). Cytogenetic location: 10q11.23.
Variant type: Deletion.
Coding change: c.1307_1316del on transcript NM_000124.4 (MANE Select); coding-DNA positions 1307 to 1316, 10 bases deleted (CTGCTTCTGT; older notation c.1307_1316delCTGCTTCTGT).
Protein change: p.Ala436fs; shifts the reading frame from alanine 436.
Molecular consequence: frameshift variant. On other transcripts: 5 prime UTR variant (1).
Genome position (GRCh38, 1-based): chr10:49,524,114-49,524,123, ACAGAAGCAG deleted on the plus strand (CTGCTTCTGT on the coding strand, the reverse complement: ERCC6 is on the minus strand). VCF-style (leftmost placement, unchanged base first): chr10-49524113-TACAGAAGCAG-T. GRCh37 (hg19) VCF-style: chr10-50732159-TACAGAAGCAG-T.
Other names: c.1307_1316del, p.Ala436fs (NM_001277059.2, NM_001346440.2, NM_001277058.2); c.-98_-89del (NM_170753.3); short protein forms A436fs.
Identifiers: ClinVar variation 1726473 (VCV001726473.2), dbSNP rs2496137948, ClinGen allele CA2580081548.

ClinVar aggregate classification (germline): Likely pathogenic (1 of 4 stars; one submission).

Conditions:
Cockayne syndrome type 2 (CSB). Also called: COCKAYNE SYNDROME B; Cockayne Syndrome, Type II. Identifiers: Orphanet 191, Orphanet 90322, MedGen C0751038, MONDO:0019570, OMIM 133540.

Submission:

Myriad Genetics, Inc.
Classification: Likely pathogenic for Cockayne syndrome type 2. Last evaluated: 2021-12-17. Review status: criteria provided, single submitter. Criteria: Myriad Women's Health Autosomal Recessive and X-Linked Classification Criteria (2021). Collection method: clinical testing. Allele origin: unknown.
Comment: NM_000124.2(ERCC6):c.1307_1316del10(A436Efs*27) is expected to be pathogenic in the context of ERCC6-related disorders. This variant is predicted to lead to an abnormal or absent protein product due to the creation of a premature termination codon in ERCC6, a gene where loss-of-function variants are known to be pathogenic. Please note: this variant was assessed in the context of healthy population screening.